The following is an entry in ClinVar:

NM_014225.6(PPP2R1A):c.568G>T (p.Gly190Trp)

Gene: PPP2R1A (protein phosphatase 2 scaffold subunit Aalpha; plus strand). Cytogenetic location: 19q13.41.
Variant type: single nucleotide variant.
Coding change: c.568G>T on transcript NM_014225.6 (MANE Select); coding-DNA position 568, G replaced by T.
Protein change: p.Gly190Trp; replaces glycine 190 with tryptophan.
Molecular consequence: missense variant. On other transcripts: non-coding transcript variant (1).
Genome position (GRCh38, 1-based): chr19:52,212,750, G>T. VCF-style: chr19-52212750-G-T. GRCh37 (hg19) VCF-style: chr19-52716003-G-T.
Other names: c.568G>T (NM_014225.5); c.31G>T, p.Gly11Trp (NM_001363656.2); short protein forms G11W, G190W.
Identifiers: ClinVar variation 2050771 (VCV002050771.5), dbSNP rs2122335090, ClinGen allele CA407183669.

ClinVar aggregate classification (germline): Uncertain significance. Review status: criteria provided, multiple submitters, no conflicts (2 of 4 stars). 2 submissions from 2 submitters: Uncertain significance (2). Last evaluated 2024-07-29.

Submissions (2):

GeneDx
Classification: Uncertain significance. Last evaluated: 2024-07-29. Review status: criteria provided, single submitter. Criteria: GeneDx Variant Classification Process June 2021. Collection method: clinical testing. Allele origin: germline. Affected: yes.
Comment: Not observed at significant frequency in large population cohorts (gnomAD); In silico analysis supports that this missense variant has a deleterious effect on protein structure/function; Has not been previously published as pathogenic or benign to our knowledge

Labcorp Genetics (formerly Invitae), Labcorp
Classification: Uncertain significance. Last evaluated: 2021-12-20. Review status: criteria provided, single submitter. Criteria: Invitae Variant Classification Sherloc (09022015). Collection method: clinical testing. Allele origin: germline.
Comment: This sequence change replaces glycine, which is neutral and non-polar, with tryptophan, which is neutral and slightly polar, at codon 190 of the PPP2R1A protein (p.Gly190Trp). This variant is not present in population databases (gnomAD no frequency). This variant has not been reported in the literature in individuals affected with PPP2R1A-related conditions. Algorithms developed to predict the effect of missense changes on protein structure and function (SIFT, PolyPhen-2, Align-GVGD) all suggest that this variant is likely to be disruptive. In summary, the available evidence is currently insufficient to determine the role of this variant in disease. Therefore, it has been classified as a Variant of Uncertain Significance.